The following is an entry in ClinVar:

NM_000465.4(BARD1):c.16C>T (p.Gln6Ter)

Gene: BARD1 (BRCA1 associated RING domain 1; minus strand). Cytogenetic location: 2q35.
Variant type: single nucleotide variant.
Coding change: c.16C>T on transcript NM_000465.4 (MANE Select); coding-DNA position 16, C replaced by T.
Protein change: p.Gln6Ter; replaces glutamine 6 with a stop codon.
Molecular consequence: nonsense. On other transcripts: non-coding transcript variant (3).
Genome position (GRCh38, 1-based): chr2:214,809,554, G>A on the plus strand (C>T on the coding strand, the complement: BARD1 is on the minus strand). VCF-style: chr2-214809554-G-A. GRCh37 (hg19) VCF-style: chr2-215674278-G-A.
Other names: c.16C>T, p.Gln6Ter (NM_001282543.2, NM_001282545.2, NM_001282548.2 and 1 more transcripts); short protein forms Q6*.
Identifiers: ClinVar variation 1417396 (VCV001417396.12), dbSNP rs876658234, ClinGen allele CA350465459.

ClinVar aggregate classification (germline): Conflicting classifications of pathogenicity. Review status: criteria provided, conflicting classifications (1 of 4 stars). 3 submissions from 3 submitters: Pathogenic (2); Uncertain significance (1). Last evaluated 2025-10-09.

Conditions:
Familial cancer of breast. Also called: BREAST CANCER, FAMILIAL; Hereditary breast cancer; hereditary breast carcinoma. Identifiers: Orphanet 227535, MedGen C0346153, MONDO:0016419, OMIM 114480. Disease mechanism: loss of function.
Hereditary cancer-predisposing syndrome. Also called: Hereditary Cancer Syndrome; Tumor predisposition; Hereditary neoplastic syndrome; Neoplastic Syndromes, Hereditary. Identifiers: Orphanet 140162, MedGen C0027672, MeSH D009386, MONDO:0015356.

Allele frequency attached by ClinVar (database versions not stated): gnomAD 0.00001; TOPMed 0.00001.

Submissions (3):

Ambry Genetics
Classification: Uncertain significance for Hereditary cancer-predisposing syndrome. Last evaluated: 2025-10-09. Review status: criteria provided, single submitter. Criteria: Ambry Variant Classification Scheme 2023. Collection method: clinical testing. Allele origin: germline.
Comment: The p.Q6* variant (also known as c.16C>T), located in coding exon 1 of the BARD1 gene, results from a C to T substitution at nucleotide position 16. This changes the amino acid from a glutamine to a stop codon within coding exon 1. The predicted stop codon occurs in the 5&rsquo; end of thegene. Premature termination codons in the 5&rsquo; end of a gene have been reported to escape nonsense-mediated mRNAdecay and/or lead to re-initiation (Rivas et al. Science. 2015 May 8;348(6235):666-9; Lindeboom et al. Nat Genet. 2016 Oct;48(10):1112-8; Rhee et al. Sci Rep. 2017 May 10;7(1):1653). The exact functional effect of this alteration is unknown. Based on the available evidence, the clinical significance of this variant remains unclear.

Myriad Genetics, Inc.
Classification: Pathogenic for Familial cancer of breast. Last evaluated: 2023-05-17. Review status: criteria provided, single submitter. Criteria: Myriad Autosomal Dominant, Autosomal Recessive and X-Linked Classification Criteria (2023). Collection method: clinical testing. Allele origin: unknown.
Comment: This variant is considered pathogenic. This variant creates a termination codon and is predicted to result in premature protein truncation.

Labcorp Genetics (formerly Invitae), Labcorp
Classification: Pathogenic for Familial cancer of breast. Last evaluated: 2022-08-23. Review status: criteria provided, single submitter. Criteria: Invitae Variant Classification Sherloc (09022015). Collection method: clinical testing. Allele origin: germline.
Comment: For these reasons, this variant has been classified as Pathogenic. Algorithms developed to predict the effect of sequence changes on RNA splicing suggest that this variant may create or strengthen a splice site. ClinVar contains an entry for this variant (Variation ID: 1417396). This variant has not been reported in the literature in individuals affected with BARD1-related conditions. This variant is not present in population databases (gnomAD no frequency). This sequence change creates a premature translational stop signal (p.Gln6*) in the BARD1 gene. It is expected to result in an absent or disrupted protein product. Loss-of-function variants in BARD1 are known to be pathogenic (PMID: 20077502, 21344236).

Literature cited by the submitters: PubMed 20077502 (cited by Labcorp Genetics (formerly Invitae), Labcorp); PubMed 21344236 (cited by Labcorp Genetics (formerly Invitae), Labcorp).